The following is an entry in ClinVar:

ClinVar aggregate classification (germline): Benign/Likely benign. Review status: criteria provided, single submitter (1 of 4 stars). 3 submissions from 1 submitter: Benign (2); Likely benign (1). Last evaluated 2018-01-13.

Conditions:
Metachondromatosis (METCDS). Identifiers: Orphanet 2499, MedGen C0410530, MONDO:0007979, OMIM 156250.
LEOPARD syndrome 1 (LPRD1). Also called: LENTIGINOSIS, CARDIOMYOPATHIC; MULTIPLE LENTIGINES SYNDROME; PTPN11-Related LEOPARD Syndrome. Identifiers: Orphanet 500, MedGen C4551484, MONDO:0100082, OMIM 151100.
Noonan syndrome 1 (NS1). Also called: TURNER PHENOTYPE WITH NORMAL KARYOTYPE; PTPN11-Related Noonan Syndrome; FEMALE PSEUDO-TURNER SYNDROME. Identifiers: Orphanet 648, MedGen C4551602, MONDO:0008104, OMIM 163950. Disease mechanism: gain of function.

Allele frequency attached by ClinVar (database versions not stated): 1000 Genomes Project 0.00160; 1000 Genomes Project 30x 0.00172; TOPMed 0.00220; gnomAD 0.00230 and 0.00233.

Submissions (3):

Illumina Laboratory Services, Illumina
Classification: Benign for LEOPARD syndrome 1. Last evaluated: 2018-01-13. Review status: criteria provided, single submitter. Criteria: ICSL Variant Classification Criteria 13 December 2019. Collection method: clinical testing. Allele origin: germline.
Comment: This variant was observed in the ICSL laboratory as part of a predisposition screen in an ostensibly healthy population. It had not been previously curated by ICSL or reported in the Human Gene Mutation Database (HGMD: prior to June 1st, 2018), and was therefore a candidate for classification through an automated scoring system. Utilizing variant allele frequency, disease prevalence and penetrance estimates, and inheritance mode, an automated score was calculated to assess if this variant is too frequent to cause the disease. Based on the score and internal cut-off values, a variant classified as benign is not then subjected to further curation. The score for this variant resulted in a classification of benign for this disease.

Illumina Laboratory Services, Illumina
Classification: Likely benign for Noonan syndrome 1. Last evaluated: 2018-01-13. Review status: criteria provided, single submitter. Criteria: ICSL Variant Classification Criteria 13 December 2019. Collection method: clinical testing. Allele origin: germline.
Comment: This variant was observed in the ICSL laboratory as part of a predisposition screen in an ostensibly healthy population. It had not been previously curated by ICSL or reported in the Human Gene Mutation Database (HGMD: prior to June 1st, 2018), and was therefore a candidate for classification through an automated scoring system. Utilizing variant allele frequency, disease prevalence and penetrance estimates, and inheritance mode, an automated score was calculated to assess if this variant is too frequent to cause the disease. Based on the score and internal cut-off values, a variant classified as likely benign is not then subjected to further curation. The score for this variant resulted in a classification of likely benign for this disease.

Illumina Laboratory Services, Illumina
Classification: Benign for Metachondromatosis. Last evaluated: 2018-01-13. Review status: criteria provided, single submitter. Criteria: ICSL Variant Classification Criteria 13 December 2019. Collection method: clinical testing. Allele origin: germline.
Comment: the same text as in the submission from Illumina Laboratory Services, Illumina above.

NM_002834.5(PTPN11):c.*775G>A

Gene: PTPN11 (protein tyrosine phosphatase non-receptor type 11; plus strand). Cytogenetic location: 12q24.13.
Variant type: single nucleotide variant.
Coding change: c.*775G>A on transcript NM_002834.5 (MANE Select); 775 bases downstream of the stop codon, G replaced by A.
Molecular consequence: 3 prime UTR variant.
Genome position (GRCh38, 1-based): chr12:112,506,567, G>A. VCF-style: chr12-112506567-G-A. GRCh37 (hg19) VCF-style: chr12-112944371-G-A.
Other names: c.*775G>A (NM_001330437.2, NM_001374625.1).
Identifiers: ClinVar variation 307234 (VCV000307234.5), dbSNP rs181946923, ClinGen allele CA10636516.